The following is an entry in ClinVar:

NM_005159.5(ACTC1):c.493del (p.Val165fs)

Genes: ACTC1 (actin alpha cardiac muscle 1; minus strand), GJD2-DT (GJD2 divergent transcript; plus strand). Cytogenetic location: 15q14.
Variant type: Deletion.
Coding change: c.493del on transcript NM_005159.5 (MANE Select); coding-DNA position 493, one base deleted (G; older notation c.493delG).
Protein change: p.Val165fs; shifts the reading frame from valine 165.
Molecular consequence: frameshift variant.
Genome position (GRCh38, 1-based): chr15:34,792,531, C deleted on the plus strand (G on the coding strand, the reverse complement: ACTC1 is on the minus strand). VCF-style (leftmost placement, unchanged base first): chr15-34792530-AC-A. GRCh37 (hg19) VCF-style: chr15-35084731-AC-A.
Other names: c.493del, p.Val165fs (NM_001406482.1, NM_001406483.1); c.358del, p.Val120fs (NM_001406484.1); c.52del, p.Val18fs (NM_001406485.1); short protein forms V120fs, V165fs, V18fs.
Identifiers: ClinVar variation 4787178 (VCV004787178.1).

ClinVar aggregate classification (germline): Uncertain significance (1 of 4 stars; one submission).

Conditions:
Atrial septal defect 5 (ASD5). Identifiers: Orphanet 1478, MedGen C2748552, MONDO:0013011, OMIM 612794.
Hypertrophic cardiomyopathy 11. Also called: ACTC1-Related Familial Hypertrophic Cardiomyopathy. Identifiers: MedGen C2677506, MONDO:0012799, OMIM 612098.
Dilated cardiomyopathy 1R (CMD1R). Identifiers: Orphanet 154, Orphanet 54260, MedGen C3150681, MONDO:0013261, OMIM 613424.

Submission:

Labcorp Genetics (formerly Invitae), Labcorp
Classification: Uncertain significance for Dilated cardiomyopathy 1R; Hypertrophic cardiomyopathy 11; Atrial septal defect 5. Last evaluated: 2026-01-09. Review status: criteria provided, single submitter. Criteria: Invitae Variant Classification Sherloc (09022015). Collection method: clinical testing. Allele origin: germline.
Comment: This sequence change creates a premature translational stop signal (p.Val165Serfs*28) in the ACTC1 gene. It is expected to result in an absent or disrupted protein product. However, the current clinical and genetic evidence is not sufficient to establish whether loss-of-function variants in ACTC1 cause disease. This variant is not present in population databases (gnomAD no frequency). This variant has not been reported in the literature in individuals affected with ACTC1-related conditions. In summary, the available evidence is currently insufficient to determine the role of this variant in disease. Therefore, it has been classified as a Variant of Uncertain Significance.